The following is an entry in ClinVar:

ClinVar aggregate classification (germline): Likely benign (0 of 4 stars; one submission).

Conditions:
ISM1-related disorder. Also called: ISM1-related condition.

Allele frequency attached by ClinVar (database versions not stated): ESP Exome Variant Server 0.00008; gnomAD 0.00010.
gnomAD v4.1: 194 of 1,613,916 alleles (0.012%); highest among the groups gnomAD compares: Non-Finnish European, 0.015%; no homozygotes.

Submission:

PreventionGenetics, part of Exact Sciences
Classification: Likely benign for ISM1-related condition. Last evaluated: 2019-04-22. Review status: no assertion criteria provided. Collection method: clinical testing. Allele origin: germline.
Comment: This variant is classified as likely benign based on ACMG/AMP sequence variant interpretation guidelines (Richards et al. 2015 PMID: 25741868, with internal and published modifications).

NM_080826.2(ISM1):c.507C>G (p.Ala169=)

Genes: ISM1 (isthmin 1; plus strand), TASP1 (taspase 1; minus strand). Cytogenetic location: 20p12.1.
Variant type: single nucleotide variant.
Coding change: c.507C>G on transcript NM_080826.2 (MANE Select); coding-DNA position 507, C replaced by G.
Protein change: p.Ala169=; no amino-acid change (alanine 169 retained).
Molecular consequence: synonymous variant.
Genome position (GRCh38, 1-based): chr20:13,279,762, C>G. VCF-style: chr20-13279762-C-G. GRCh37 (hg19) VCF-style: chr20-13260409-C-G.
Identifiers: ClinVar variation 3047170 (VCV003047170.2), dbSNP rs373209074, ClinGen allele CA9766228.